The following is an entry in ClinVar:

NM_003718.5(CDK13):c.1688_1689dup (p.Val564Ter)

Gene: CDK13 (cyclin dependent kinase 13; plus strand). Cytogenetic location: 7p14.1.
Variant type: Duplication.
Coding change: c.1688_1689dup on transcript NM_003718.5 (MANE Select); coding-DNA positions 1688 to 1689, 2 bases duplicated (TA; older notation c.1688_1689dupTA).
Protein change: p.Val564Ter; replaces valine 564 with a stop codon.
Molecular consequence: nonsense. On other transcripts: frameshift variant (1).
Genome position (GRCh38, 1-based): chr7:39,988,075-39,988,076, TA duplicated; duplicating any 2 consecutive bases within chr7:39,988,074-39,988,076 gives the same sequence; the c. name uses the placement nearest the transcript's 3' end. VCF-style (leftmost placement, unchanged base first): chr7-39988073-C-CAT. GRCh37 (hg19) VCF-style: chr7-40027672-C-CAT.
Other names: c.1688_1689dup, p.Val564Terfs (NM_031267.4); short protein forms V564*.
Identifiers: ClinVar variation 3999572 (VCV003999572.1).

ClinVar aggregate classification (germline): Pathogenic (1 of 4 stars; one submission).

Conditions:
Inborn genetic diseases. Identifiers: MedGen C0950123, MeSH D030342.

Submission:

Ambry Genetics
Classification: Pathogenic for Inborn genetic diseases. Last evaluated: 2025-04-25. Review status: criteria provided, single submitter. Criteria: Ambry Variant Classification Scheme 2023. Collection method: clinical testing. Allele origin: germline.
Comment: The c.1688_1689dupTA (p.V564*) alteration, located in exon 2 (coding exon 2) of the CDK13 gene, consists of a duplication of TA at position 1688. This changes the amino acid from a valine (V) to a stop codon at amino acid position 564. This alteration is expected to result in loss of function by premature protein truncation or nonsense-mediated mRNA decay. This variant was not reported in population-based cohorts in the Genome Aggregation Database (gnomAD). Based on the available evidence, this alteration is classified as pathogenic.